The following is an entry in ClinVar:

ClinVar aggregate classification (germline): Uncertain significance. Review status: reviewed by expert panel (3 of 4 stars). 3 submissions from 3 submitters: Uncertain significance (1). 2 of the submissions do not count toward it. Last evaluated 2024-06-13.

Conditions:
Inborn genetic diseases. Identifiers: MedGen C0950123, MeSH D030342.
Severe combined immunodeficiency due to DCLRE1C deficiency (RS-SCID). Also called: SCID, AUTOSOMAL RECESSIVE, T CELL-NEGATIVE, B CELL-NEGATIVE, NK CELL-POSITIVE, WITH SENSITIVITY TO IONIZING RADIATION. Identifiers: Orphanet 275, MedGen C1865371, MONDO:0011225, OMIM 602450.

Allele frequency attached by ClinVar (database versions not stated): TOPMed below 0.00001; ExAC 0.00001; gnomAD 0.00001; gnomAD exomes 0.00001.
gnomAD v4.1: 23 of 1,613,966 alleles (0.0014%); highest among the groups gnomAD compares: Non-Finnish European, 0.0019%; no homozygotes.

Submissions (3):

ClinGen Severe Combined Immunodeficiency Variant Curation Expert Panel, ClinGen
Classification: Uncertain significance for Severe combined immunodeficiency due to DCLRE1C deficiency. Last evaluated: 2024-06-13. Review status: reviewed by expert panel. Criteria: ClinGen SCID ACMG Specifications DCLRE1C V1.0.0. Collection method: curation. Allele origin: germline. Inheritance: Autosomal recessive inheritance.
Comment: The c.436A>G (NM_001033855.3) variant in DCLRE1C is a missense variant predicted to cause the substitution of Arginine by Glycine at amino acid 146 (p.Arg146Gly). The filtering allele frequency (the upper threshold of the 95% CI of 23/1179976 alleles) of the c.436A>G variant in DCLRE1C is 0.00001298 for European (non-Finnish) chromosomes by gnomAD v4, which is lower than the ClinGen SCID VCEP threshold (<0.00003266) for PM2_Supporting, and therefore meets this criterion (PM2_Supporting). No homozygotes have been observed in gnomAD. To our knowledge, this variant has not been reported in the literature in individuals affected with SCID/DCLRE1C-related conditions or in functional studies. In summary, this variant meets the criteria to be classified as a variant of uncertain significance for autosomal recessive severe combined immunodeficiency due to DCLRE1C deficiency based on the ACMG/AMP criteria applied, as specified by the ClinGen SCID VCEP: PM2_Supporting (VCEP specifications version 1).

Ambry Genetics
Classification: Uncertain significance for Inborn genetic diseases. Last evaluated: 2023-12-19. Review status: criteria provided, single submitter. Criteria: Ambry Variant Classification Scheme 2023. Collection method: clinical testing. Allele origin: germline. Not counted in ClinVar's aggregate classification.

Labcorp Genetics (formerly Invitae), Labcorp
Classification: Uncertain significance for Athabaskan severe combined immunodeficiency. Last evaluated: 2021-08-27. Review status: criteria provided, single submitter. Criteria: Invitae Variant Classification Sherloc (09022015). Collection method: clinical testing. Allele origin: germline. Not counted in ClinVar's aggregate classification.
Comment: This sequence change replaces arginine with glycine at codon 146 of the DCLRE1C protein (p.Arg146Gly). The arginine residue is highly conserved and there is a moderate physicochemical difference between arginine and glycine. This variant is present in population databases (rs756583993, ExAC 0.002%). This variant has not been reported in the literature in individuals affected with DCLRE1C-related conditions. Algorithms developed to predict the effect of missense changes on protein structure and function are either unavailable or do not agree on the potential impact of this missense change (SIFT: "Deleterious"; PolyPhen-2: "Possibly Damaging"; Align-GVGD: "Class C0"). In summary, the available evidence is currently insufficient to determine the role of this variant in disease. Therefore, it has been classified as a Variant of Uncertain Significance.

NM_001033855.3(DCLRE1C):c.436A>G (p.Arg146Gly)

Gene: DCLRE1C (DNA cross-link repair 1C; minus strand). Cytogenetic location: 10p13.
Variant type: single nucleotide variant.
Coding change: c.436A>G on transcript NM_001033855.3 (MANE Select); coding-DNA position 436, A replaced by G.
Protein change: p.Arg146Gly; replaces arginine 146 with glycine.
Molecular consequence: missense variant. On other transcripts: non-coding transcript variant (4).
Genome position (GRCh38, 1-based): chr10:14,935,491, T>C on the plus strand (A>G on the coding strand, the complement: DCLRE1C is on the minus strand). VCF-style: chr10-14935491-T-C. GRCh37 (hg19) VCF-style: chr10-14977490-T-C.
Other names: NM_001033855.3(DCLRE1C):c.436A>G; p.Arg146Gly; c.76A>G, p.Arg26Gly (NM_001033857.3, NM_001033858.3, NM_001289077.2 and 2 more transcripts); c.91A>G, p.Arg31Gly (NM_001289076.2, NM_001289078.2, NM_001350966.2 and 1 more transcripts); c.436A>G, p.Arg146Gly (NM_001350965.2); c.436A>G (NM_001033855.1); short protein forms R146G, R26G, R31G.
Identifiers: ClinVar variation 1514295 (VCV001514295.6), dbSNP rs756583993, ClinGen allele CA5416845.